The following is an entry in ClinVar:

ClinVar aggregate classification (germline): Uncertain significance (1 of 4 stars; one submission).

Submission:

Labcorp Genetics (formerly Invitae), Labcorp
Classification: Uncertain significance. Last evaluated: 2022-07-11. Review status: criteria provided, single submitter. Criteria: Invitae Variant Classification Sherloc (09022015). Collection method: clinical testing. Allele origin: germline.
Comment: In summary, the available evidence is currently insufficient to determine the role of this variant in disease. Therefore, it has been classified as a Variant of Uncertain Significance. This variant has not been reported in the literature in individuals affected with FGF12-related conditions. This variant is a gross deletion of the genomic region encompassing exon(s) 1-4 of the FGF12 gene, which includes the initiator codon. This deletion extends beyond the assayed region for this gene and therefore may encompass additional genes. It is expected to result in an absent or disrupted protein product. However, the current clinical and genetic evidence is not sufficient to establish whether loss-of-function variants in FGF12 cause disease.

NC_000003.11:g.(?_191888227)_(192126012_?)del

Gene: FGF12 (fibroblast growth factor 12; minus strand). Cytogenetic location: 3q28.
Variant type: Deletion.
Identifiers: ClinVar variation 2426651 (VCV002426651.4).